The following is an entry in ClinVar:

NM_000492.4:c.(2908+1_2909-1)_(4242+1_4243-1)del

Gene: CFTR (CF transmembrane conductance regulator; plus strand).
Variant type: Deletion.
Other names: CFTRdele16-23; c.(2908+1_2909-1)_(4242+1_4243-1)del (NM_000492.4).
Identifiers: ClinVar variation 1706024 (VCV001706024.1).

ClinVar aggregate classification (germline): Pathogenic (1 of 4 stars; one submission).

Conditions:
Cystic fibrosis (CF). Also called: MUCOVISCIDOSIS. Identifiers: Orphanet 586, MedGen C0010674, MONDO:0009061, OMIM 219700. Disease mechanism: loss of function.

Submission:

Institute of Human Genetics, University of Leipzig Medical Center
Classification: Pathogenic for Cystic fibrosis. Last evaluated: 2022-09-05. Review status: criteria provided, single submitter. Criteria: ACMG Guidelines, 2015. Collection method: curation. Allele origin: unknown. Affected: yes. Observed: 1 variant allele.
Comment: The variant was classified in the context of a project re-classifying variants in the German Cystic Fibrosis Registry (Muko.e.V.). Criteria applied: PVS1, PM2_SUP, PP4